The following is an entry in ClinVar:

NM_015047.3(EMC1):c.2116C>T (p.Arg706Trp)

Genes: EMC1 (ER membrane protein complex subunit 1; minus strand), EMC1-AS1 (EMC1 antisense RNA 1; plus strand). Cytogenetic location: 1p36.13.
Variant type: single nucleotide variant.
Coding change: c.2116C>T on transcript NM_015047.3 (MANE Select); coding-DNA position 2116, C replaced by T.
Protein change: p.Arg706Trp; replaces arginine 706 with tryptophan.
Molecular consequence: missense variant.
Genome position (GRCh38, 1-based): chr1:19,227,399, G>A on the plus strand (C>T on the coding strand, the complement: EMC1 is on the minus strand). VCF-style: chr1-19227399-G-A. GRCh37 (hg19) VCF-style: chr1-19553893-G-A.
Other names: c.2113C>T, p.Arg705Trp (NM_001271427.2, NM_001271428.2); c.2050C>T, p.Arg684Trp (NM_001271429.2); c.2125C>T, p.Arg709Trp (NM_001375820.1); c.2122C>T, p.Arg708Trp (NM_001375821.1); short protein forms R706W, R684W, R705W, R709W, R708W.
Identifiers: ClinVar variation 1417372 (VCV001417372.6), dbSNP rs188945281, ClinGen allele CA652392.

ClinVar aggregate classification (germline): Uncertain significance (1 of 4 stars; one submission).

Allele frequency attached by ClinVar (database versions not stated): gnomAD 0.00001; ExAC 0.00002; gnomAD exomes 0.00002; TOPMed 0.00003; 1000 Genomes Project 30x 0.00016; 1000 Genomes Project 0.00020.
gnomAD v4.1: 15 of 1,614,174 alleles (0.00093%); highest among the groups gnomAD compares: East Asian, 0.0022%; no homozygotes.

Submission:

Labcorp Genetics (formerly Invitae), Labcorp
Classification: Uncertain significance. Last evaluated: 2025-12-13. Review status: criteria provided, single submitter. Criteria: Invitae Variant Classification Sherloc (09022015). Collection method: clinical testing. Allele origin: germline.
Comment: This sequence change replaces arginine, which is basic and polar, with tryptophan, which is neutral and slightly polar, at codon 706 of the EMC1 protein (p.Arg706Trp). This variant is present in population databases (rs188945281, gnomAD 0.007%). This variant has not been reported in the literature in individuals affected with EMC1-related conditions. ClinVar contains an entry for this variant (Variation ID: 1417372). Invitae Evidence Modeling of protein sequence and biophysical properties (such as structural, functional, and spatial information, amino acid conservation, physicochemical variation, residue mobility, and thermodynamic stability) indicates that this missense variant is expected to disrupt EMC1 protein function with a positive predictive value of 80%. In summary, the available evidence is currently insufficient to determine the role of this variant in disease. Therefore, it has been classified as a Variant of Uncertain Significance.